The following is an entry in ClinVar:

ClinVar aggregate classification (germline): Likely pathogenic (1 of 4 stars; one submission).

Submission:

Athena Diagnostics
Classification: Likely pathogenic. Last evaluated: 2019-02-03. Review status: criteria provided, single submitter. Criteria: Athena Diagnostics Criteria. Collection method: clinical testing. Allele origin: germline.
Comment: The variant results in a shift of the reading frame, and is therefore predicted to result in the loss of a functional protein. Not found in the total gnomAD dataset, and the data is high quality (0/282682 chr).

NM_000388.4(CASR):c.1913dup (p.Asn639fs)

Gene: CASR (calcium sensing receptor; plus strand). Cytogenetic location: 3q21.1.
Variant type: Duplication.
Coding change: c.1913dup on transcript NM_000388.4 (MANE Select); coding-DNA position 1913, one base duplicated (G; older notation c.1913dupG).
Protein change: p.Asn639fs; shifts the reading frame from asparagine 639.
Molecular consequence: frameshift variant.
Genome position (GRCh38, 1-based): chr3:122,283,867, G duplicated. VCF-style (leftmost placement, unchanged base first): chr3-122283866-C-CG. GRCh37 (hg19) VCF-style: chr3-122002713-C-CG.
Other names: c.1943dup, p.Asn649fs (NM_001178065.2); short protein forms N639fs, N649fs.
Identifiers: ClinVar variation 804661 (VCV000804661.1), dbSNP rs1576877163, ClinGen allele CA915941530.
Genomic context (GRCh38, chr3:122,283,866, plus strand): 5'-CTCTTTGCCGTGCTGGGCATTTTCCTGACAGCCTTTGTGCTGGGTGTGTTTATCAAGTTC[C>CG]GCAACACACCCATTGTCAAGGCCACCAACCGAGAGCTCTCCTACCTCCTCCTCTTCTCCC-3'